The following is an entry in ClinVar:

ClinVar aggregate classification (germline): Benign. Review status: criteria provided, multiple submitters, no conflicts (2 of 4 stars). 12 submissions from 12 submitters: Benign (10). 2 of the submissions do not count toward it. Last evaluated 2024-11-27.

Conditions:
Bardet-Biedl syndrome 1 (BBS1). Identifiers: MedGen C2936862, MONDO:0008854, OMIM 209900. Disease mechanism: loss of function.

Allele frequency attached by ClinVar (database versions not stated): gnomAD exomes 0.58695 and 0.54897; TOPMed 0.64893; gnomAD 0.65188 and 0.66464; ExAC 0.58937; 1000 Genomes Project 30x 0.62008; ESP Exome Variant Server 0.67662; 1000 Genomes Project 0.61282.
gnomAD v4.1: 945,761 of 1,594,354 alleles (59%); highest among the groups gnomAD compares: African/African-American, 86%; 286,667 homozygotes.

Submissions (12):

Blueprint Genetics
Classification: Benign. Last evaluated: 2024-11-27. Review status: criteria provided, single submitter. Criteria: ACMG Guidelines, 2015. Collection method: clinical testing. Allele origin: germline.

Mayo Clinic Laboratories, Mayo Clinic
Classification: Benign. Last evaluated: 2022-03-09. Review status: criteria provided, single submitter. Criteria: ACMG Guidelines, 2015. Collection method: clinical testing. Allele origin: germline. Observed: 62 variant alleles.

Genome-Nilou Lab
Classification: Benign for Bardet-Biedl syndrome 1. Last evaluated: 2021-07-10. Review status: criteria provided, single submitter. Criteria: ACMG Guidelines, 2015. Collection method: clinical testing. Allele origin: germline. Affected: no.

GeneDx
Classification: Benign. Last evaluated: 2021-05-04. Review status: criteria provided, single submitter. Criteria: GeneDx Variant Classification Process June 2021. Collection method: clinical testing. Allele origin: germline. Affected: yes.

Illumina Laboratory Services, Illumina
Classification: Benign for Bardet-Biedl syndrome 1. Last evaluated: 2018-01-13. Review status: criteria provided, single submitter. Criteria: ICSL Variant Classification Criteria 13 December 2019. Collection method: clinical testing. Allele origin: germline.
Comment: This variant was observed in the ICSL laboratory as part of a predisposition screen in an ostensibly healthy population. It had not been previously curated by ICSL or reported in the Human Gene Mutation Database (HGMD: prior to June 1st, 2018), and was therefore a candidate for classification through an automated scoring system. Utilizing variant allele frequency, disease prevalence and penetrance estimates, and inheritance mode, an automated score was calculated to assess if this variant is too frequent to cause the disease. Based on the score and internal cut-off values, a variant classified as benign is not then subjected to further curation. The score for this variant resulted in a classification of benign for this disease.

Genome Diagnostics Laboratory, University Medical Center Utrecht
Classification: Benign for Bardet-Biedl syndrome 1. Last evaluated: 2017-07-28. Review status: criteria provided, single submitter. Criteria: ACGS Guidelines, 2013. Collection method: clinical testing. Allele origin: germline. Affected: yes. Study: VKGL Data-share Consensus.

Athena Diagnostics
Classification: Benign for Bardet-Biedl syndrome 1. Last evaluated: 2017-06-02. Review status: criteria provided, single submitter. Criteria: Athena Diagnostics Criteria. Collection method: clinical testing. Allele origin: germline.

Clinical Genetics DNA and cytogenetics Diagnostics Lab, Erasmus MC, Erasmus Medical Center
Classification: Benign for Bardet-Biedl syndrome 1. Last evaluated: 2015-09-21. Review status: criteria provided, single submitter. Criteria: ACGS Guidelines, 2013. Collection method: clinical testing. Allele origin: germline. Affected: yes. Study: VKGL Data-share Consensus.

Breakthrough Genomics
Classification: Benign. Review status: criteria provided, single submitter. Criteria: ACMG Guidelines, 2015. Collection method: not provided. Allele origin: germline. Inheritance: Autosomal recessive inheritance. Affected: yes.

PreventionGenetics, part of Exact Sciences
Classification: Benign. Review status: criteria provided, single submitter. Criteria: ACMG Guidelines, 2015. Collection method: clinical testing. Allele origin: germline.

Natera, Inc.
Classification: Benign for Bardet-Biedl syndrome type 1. Last evaluated: 2020-09-16. Review status: no assertion criteria provided. Collection method: clinical testing. Allele origin: germline. Not counted in ClinVar's aggregate classification.

Diagnostic Laboratory, Department of Genetics, University Medical Center Groningen
Classification: Benign for Bardet-Biedl syndrome 1. Review status: no assertion criteria provided. Collection method: clinical testing. Allele origin: germline. Affected: yes. Study: VKGL Data-share Consensus. Not counted in ClinVar's aggregate classification.

NM_024649.5(BBS1):c.*7A>G

Genes: BBS1 (Bardet-Biedl syndrome 1; plus strand), ZDHHC24 (zDHHC palmitoyltransferase 24; minus strand). Cytogenetic location: 11q13.2.
Variant type: single nucleotide variant.
Coding change: c.*7A>G on transcript NM_024649.5 (MANE Select); 7 bases downstream of the stop codon, A replaced by G.
Molecular consequence: 3 prime UTR variant. On other transcripts: intron variant (1).
Genome position (GRCh38, 1-based): chr11:66,532,044, A>G. VCF-style: chr11-66532044-A-G. GRCh37 (hg19) VCF-style: chr11-66299515-A-G.
Other names: c.560-2556T>C (NM_001348571.2).
Identifiers: ClinVar variation 261745 (VCV000261745.17), dbSNP rs8432, ClinGen allele CA6123896.